The following is an entry in ClinVar:

NM_032776.3(JMJD1C):c.1320T>G (p.Asp440Glu)

Gene: JMJD1C (jumonji domain containing 1C; minus strand). Cytogenetic location: 10q21.3.
Variant type: single nucleotide variant.
Coding change: c.1320T>G on transcript NM_032776.3 (MANE Select); coding-DNA position 1320, T replaced by G.
Protein change: p.Asp440Glu; replaces aspartic acid 440 with glutamic acid.
Molecular consequence: missense variant. On other transcripts: non-coding transcript variant (1).
Genome position (GRCh38, 1-based): chr10:63,214,847, A>C on the plus strand (T>G on the coding strand, the complement: JMJD1C is on the minus strand). VCF-style: chr10-63214847-A-C. GRCh37 (hg19) VCF-style: chr10-64974607-A-C.
Other names: c.774T>G, p.Asp258Glu (NM_001282948.2, NM_001318154.2); c.456T>G, p.Asp152Glu (NM_001318153.2); c.1206T>G, p.Asp402Glu (NM_001322252.2); c.663T>G, p.Asp221Glu (NM_001322254.2, NM_001322258.2); short protein forms D152E, D221E, D258E, D402E, D440E.
Identifiers: ClinVar variation 3377175 (VCV003377175.1).

ClinVar aggregate classification (germline): Uncertain significance (1 of 4 stars; one submission).

Conditions:
Intellectual disability. Also called: Intellectual functioning disability; intellectual disabilities; Intellectual developmental disorder. Identifiers: MedGen C3714756, MeSH D008607, MONDO:0001071, HP:0001249.

Submission:

Victorian Clinical Genetics Services, Murdoch Childrens Research Institute
Classification: Uncertain significance for Intellectual disability. Last evaluated: 2024-10-10. Review status: criteria provided, single submitter. Criteria: ACMG Guidelines, 2015. Collection method: clinical testing. Allele origin: germline. Inheritance: Autosomal dominant inheritance.
Comment: Based on the classification scheme VCGS_Germline_v1.3.5, this variant is classified as VUS-3C. Following criteria are met: 0102 - Loss of function is a known mechanism of disease in this gene and is associated with intellectual disability (MONDO:0001071), JMJD1C-related (PMIDs: 26181491, 31954878). (I) 0107 - This gene is associated with autosomal dominant disease. (I) 0200 - Variant is predicted to result in a missense amino acid change from aspartic acid to glutamic acid. (I) 0251 - This variant is heterozygous. (I) 0301 - Variant is absent from gnomAD (v2, v3 and v4). (SP) 0309 - Multiple alternative amino acid changes at the same position have been observed in gnomAD (v4) (highest allele count: 1 heterozygote, 0 homozygotes). (I) 0503 - Missense variant consistently predicted to be tolerated by multiple in silico tools or not conserved in placental mammals with a minor amino acid change. (SB) 0604 - Variant is not located in an established domain, motif, hotspot or informative constraint region. (I) 0710 - Another missense variant comparable to the one identified in this case has inconclusive previous evidence for pathogenicity. An alternative change, p.(Asp440Val), has been classified as a VUS by a clinical laboratory in ClinVar. (I) 0807 - This variant has no previous evidence of pathogenicity. (I) 0905 - No published segregation evidence has been identified for this variant. (I) 1007 - No published functional evidence has been identified for this variant. (I) 1208 - Inheritance information for this variant is not currently available in this individual. (I) Legend: (SP) - Supporting pathogenic, (I) - Information, (SB) - Supporting benign

Literature cited by the submitters: PubMed 26181491; PubMed 31954878.